The following is an entry in ClinVar:

NM_003072.5(SMARCA4):c.207G>T (p.Met69Ile)

Gene: SMARCA4 (SWI/SNF related BAF chromatin remodeling complex subunit ATPase 4; plus strand). Cytogenetic location: 19p13.2.
Variant type: single nucleotide variant.
Coding change: c.207G>T on transcript NM_003072.5 (MANE Select); coding-DNA position 207, G replaced by T.
Protein change: p.Met69Ile; replaces methionine 69 with isoleucine.
Molecular consequence: missense variant. On other transcripts: non-coding transcript variant (1).
Genome position (GRCh38, 1-based): chr19:10,984,358, G>T. VCF-style: chr19-10984358-G-T. GRCh37 (hg19) VCF-style: chr19-11095034-G-T.
Other names: c.207G>T, p.Met69Ile (NM_001128844.3, NM_001128845.2, NM_001128846.2 and 5 more transcripts); short protein forms M69I.
Identifiers: ClinVar variation 238390 (VCV000238390.16), dbSNP rs754815286, ClinGen allele CA9203411.

ClinVar aggregate classification (germline): Conflicting classifications of pathogenicity. Review status: criteria provided, conflicting classifications (1 of 4 stars). 3 submissions from 3 submitters: Uncertain significance (2); Likely benign (1). Last evaluated 2026-01-12.

Conditions:
Hereditary cancer-predisposing syndrome. Also called: Neoplastic Syndromes, Hereditary; Hereditary neoplastic syndrome; Tumor predisposition; Hereditary Cancer Syndrome. Identifiers: Orphanet 140162, MedGen C0027672, MeSH D009386, MONDO:0015356.
Intellectual disability, autosomal dominant 16 (CSS4). Also called: COFFIN-SIRIS SYNDROME 4. Identifiers: Orphanet 1465, MedGen C3553249, MONDO:0013821, OMIM 614609.
Rhabdoid tumor predisposition syndrome 2 (RTPS2). Identifiers: Orphanet 231108, Orphanet 69077, MedGen C2750074, MONDO:0013224, OMIM 613325.

Allele frequency attached by ClinVar (database versions not stated): TOPMed 0.00001.
gnomAD v4.1: 11 of 1,589,492 alleles (0.00069%); highest among the groups gnomAD compares: Non-Finnish European, 0.00094%; no homozygotes.

Submissions (3):

Labcorp Genetics (formerly Invitae), Labcorp
Classification: Uncertain significance for Rhabdoid tumor predisposition syndrome 2. Last evaluated: 2026-01-12. Review status: criteria provided, single submitter. Criteria: Invitae Variant Classification Sherloc (09022015). Collection method: clinical testing. Allele origin: germline.
Comment: This sequence change replaces methionine, which is neutral and non-polar, with isoleucine, which is neutral and non-polar, at codon 69 of the SMARCA4 protein (p.Met69Ile). The frequency data for this variant in the population databases is considered unreliable, as metrics indicate poor data quality at this position in the gnomAD database. This variant has not been reported in the literature in individuals affected with SMARCA4-related conditions. ClinVar contains an entry for this variant (Variation ID: 238390). Invitae Evidence Modeling of protein sequence and biophysical properties (such as structural, functional, and spatial information, amino acid conservation, physicochemical variation, residue mobility, and thermodynamic stability) indicates that this missense variant is not expected to disrupt SMARCA4 protein function with a negative predictive value of 95%. In summary, the available evidence is currently insufficient to determine the role of this variant in disease. Therefore, it has been classified as a Variant of Uncertain Significance.

Ambry Genetics
Classification: Likely benign for Hereditary cancer-predisposing syndrome. Last evaluated: 2022-12-21. Review status: criteria provided, single submitter. Criteria: Ambry Variant Classification Scheme 2023. Collection method: clinical testing. Allele origin: germline.

Genome-Nilou Lab
Classification: Uncertain significance for Intellectual disability, autosomal dominant 16. Last evaluated: 2021-07-15. Review status: criteria provided, single submitter. Criteria: ACMG Guidelines, 2015. Collection method: clinical testing. Allele origin: germline. Affected: no.